The following is an entry in ClinVar:

ClinVar aggregate classification (germline): Pathogenic (1 of 4 stars; one submission).

Conditions:
Nemaline myopathy. Also called: Myopathies, Nemaline. Identifiers: Orphanet 607, MedGen C0206157, MONDO:0018958.

gnomAD v4.1: 1 of 1,613,814 alleles (0.000062%); highest among the groups gnomAD compares: African/African-American, 0.0013%; no homozygotes.

Submission:

Broad Center for Mendelian Genomics, Broad Institute of MIT and Harvard
Classification: Pathogenic for Nemaline myopathy. Last evaluated: 2025-03-12. Review status: criteria provided, single submitter. Criteria: ACMG Guidelines, 2015. Collection method: curation. Allele origin: germline. Inheritance: Autosomal recessive inheritance.
Comment: The p.Glu4050Ter variant in NEB has been reported, in the compound heterozygous state, in one individual with nemaline myopathy (PMID: 31696431), and has been identified in 0.001% (1/74906) of African/African American chromosomes by the Genome Aggregation Database (gnomAD; dbSNP ID: rs983264689). Although this variant has been seen in the general population in a heterozygous state, its frequency is low enough to be consistent with a recessive carrier frequency. This nonsense variant leads to a premature termination codon at position 4050, which is predicted to lead to a truncated or absent protein. Loss of function of the NEB gene is an established disease mechanism in autosomal recessive nemaline myopathy. In summary, this variant meets criteria to be classified as pathogenic for autosomal recessive nemaline myopathy. ACMG/AMP Criteria applied: PVS1, PM3, PM2_supporting (Richards 2015).

NM_001164508.2(NEB):c.12148G>T (p.Glu4050Ter)

Gene: NEB (nebulin; minus strand). Cytogenetic location: 2q23.3.
Variant type: single nucleotide variant.
Coding change: c.12148G>T on transcript NM_001164508.2 (MANE Select); coding-DNA position 12148, G replaced by T.
Protein change: p.Glu4050Ter; replaces glutamic acid 4050 with a stop codon.
Molecular consequence: nonsense.
Genome position (GRCh38, 1-based): chr2:151,609,991, C>A on the plus strand (G>T on the coding strand, the complement: NEB is on the minus strand). VCF-style: chr2-151609991-C-A. GRCh37 (hg19) VCF-style: chr2-152466505-C-A.
Other names: NM_001164508.2:c.12148G>T; c.12148G>T, p.Glu4050Ter (NM_001164507.2, NM_001271208.2); c.11419G>T, p.Glu3807Ter (NM_004543.5); short protein forms E3807*, E4050*.
Identifiers: ClinVar variation 3776974 (VCV003776974.1).